The following is an entry in ClinVar:

ClinVar aggregate classification (germline): Uncertain significance (1 of 4 stars; one submission).

Conditions:
Hereditary cancer-predisposing syndrome. Also called: Hereditary neoplastic syndrome; Neoplastic Syndromes, Hereditary; Tumor predisposition; Hereditary Cancer Syndrome. Identifiers: Orphanet 140162, MedGen C0027672, MeSH D009386, MONDO:0015356.

Submission:

Ambry Genetics
Classification: Uncertain significance for Hereditary cancer-predisposing syndrome. Last evaluated: 2025-08-27. Review status: criteria provided, single submitter. Criteria: Ambry Variant Classification Scheme 2023. Collection method: clinical testing. Allele origin: germline.
Comment: The p.L77M variant (also known as c.229T>A), located in coding exon 3 of the MUTYH gene, results from a T to A substitution at nucleotide position 229. The leucine at codon 77 is replaced by methionine, an amino acid with highly similar properties. This amino acid position is conserved. In addition, this alteration is predicted to be tolerated by in silico analysis. Based on the available evidence, the clinical significance of this variant remains unclear.

NM_001048174.2(MUTYH):c.145T>A (p.Leu49Met)

Gene: MUTYH (mutY DNA glycosylase; minus strand). Cytogenetic location: 1p34.1.
Variant type: single nucleotide variant.
Coding change: c.145T>A on transcript NM_001048174.2 (MANE Select); coding-DNA position 145, T replaced by A.
Protein change: p.Leu49Met; replaces leucine 49 with methionine.
Molecular consequence: missense variant. On other transcripts: non-coding transcript variant (5), intron variant (5), 5 prime UTR variant (1).
Genome position (GRCh38, 1-based): chr1:45,333,532, A>T on the plus strand (T>A on the coding strand, the complement: MUTYH is on the minus strand). VCF-style: chr1-45333532-A-T. GRCh37 (hg19) VCF-style: chr1-45799204-A-T.
Other names: c.145T>A, p.Leu49Met (NM_001048171.2, NM_001048173.2, NM_001407080.1 and 6 more transcripts); c.148T>A, p.Leu50Met (NM_001048172.2, NM_001407078.1, NM_001407079.1 and 2 more transcripts); c.61T>A, p.Leu21Met (NM_001407075.1); c.178T>A, p.Leu60Met (NM_001407077.1, NM_001293191.2); c.187T>A, p.Leu63Met (NM_001407083.1, NM_001407085.1, NM_001407073.1); c.166T>A, p.Leu56Met (NM_001407087.1); c.220T>A, p.Leu74Met (NM_012222.3, NM_001407069.1); c.-92-35T>A (NM_001350651.2, NM_001407082.1); and 4 more; short protein forms L50M, L56M, L74M, L77M, L21M, L49M, L60M, L64M.
Identifiers: ClinVar variation 4113529 (VCV004113529.1).